The following is an entry in ClinVar:

ClinVar aggregate classification (germline): Uncertain significance (1 of 4 stars; one submission).

Conditions:
Dyskeratosis congenita, autosomal dominant 1 (DKCA1). Also called: Dyskeratosis congenita Scoggins type. Identifiers: Orphanet 1775, MedGen C4551974, MONDO:0007485, OMIM 127550. Inheritance: Variable.

Allele frequency attached by ClinVar (database versions not stated): gnomAD exomes below 0.00001; TOPMed below 0.00001.
gnomAD v4.1: 2 of 765,366 alleles (0.00026%); highest among the groups gnomAD compares: Non-Finnish European, 0.00048%; no homozygotes.

Submission:

Labcorp Genetics (formerly Invitae), Labcorp
Classification: Uncertain significance for Dyskeratosis congenita, autosomal dominant 1. Last evaluated: 2023-08-17. Review status: criteria provided, single submitter. Criteria: Invitae Variant Classification Sherloc (09022015). Collection method: clinical testing. Allele origin: germline.
Comment: This variant occurs in the TERC gene, which encodes an RNA molecule that does not result in a protein product. This variant is present in population databases (no rsID available, gnomAD 0.0009%). This variant has not been reported in the literature in individuals affected with TERC-related conditions. ClinVar contains an entry for this variant (Variation ID: 1062678). This variant is located within the template/pseudoknot domain of the TERC RNA component, which is required for RNA or RNP stability (PMID: 15082312, 21844345). In summary, the available evidence is currently insufficient to determine the role of this variant in disease. Therefore, it has been classified as a Variant of Uncertain Significance.

Literature cited by the submitters: PubMed 15082312; PubMed 21844345.

NC_000003.12:g.169765015G>A

Genes: TERC (telomerase RNA component; minus strand), LOC110806306 (telomerase RNA component (TERC) promoter; plus strand). Cytogenetic location: 3q26.2.
Variant type: single nucleotide variant.
Genome position: GRCh38 VCF-style: chr3-169765015-G-A. GRCh37 (hg19) VCF-style: chr3-169482803-G-A.
Identifiers: ClinVar variation 1062678 (VCV001062678.7), dbSNP rs1330995437, ClinGen allele CA436715964.
Genomic context (GRCh38, chr3:169,765,015, plus strand): 5'-GAGAAAAACAGCGCGCGGGGAGCAAAAGCACGGCGCCTACGCCCTTCTCAGTTAGGGTTA[G>A]ACAAAAAATGGCCACCACCCCTCCCAGGCCCACCCTCCGCAACCCGGTGCGCTGCCGGGC-3'